The following is an entry in ClinVar:

ClinVar aggregate classification (germline): Uncertain significance (1 of 4 stars; one submission).

Conditions:
Cardiomyopathy (CMYO). Also called: Cardiomyopathies. Identifiers: Orphanet 167848, MedGen C0878544, MONDO:0004994, HP:0001638. Inheritance: Various modes of inheritance.

Submission:

Color Diagnostics, LLC DBA Color Health
Classification: Uncertain significance for Cardiomyopathy. Last evaluated: 2024-03-06. Review status: criteria provided, single submitter. Criteria: ACMG Guidelines, 2015. Collection method: clinical testing. Allele origin: germline.
Comment: This missense variant replaces valine with methionine at codon 865 of the DSC2 protein. Computational prediction suggests that this variant may not impact protein structure and function (internally defined REVEL score threshold <= 0.5, PMID: 27666373). To our knowledge, functional studies have not been reported for this variant. This variant has not been reported in individuals affected with cardiovascular disorders in the literature. This variant has not been identified in the general population by the Genome Aggregation Database (gnomAD). The available evidence is insufficient to determine the role of this variant in disease conclusively. Therefore, this variant is classified as a Variant of Uncertain Significance.

NM_024422.6(DSC2):c.2593G>A (p.Val865Met)

Gene: DSC2 (desmocollin 2; minus strand). Cytogenetic location: 18q12.1.
Variant type: single nucleotide variant.
Coding change: c.2593G>A on transcript NM_024422.6 (MANE Select); coding-DNA position 2593, G replaced by A.
Protein change: p.Val865Met; replaces valine 865 with methionine.
Molecular consequence: missense variant. On other transcripts: 3 prime UTR variant (2).
Genome position (GRCh38, 1-based): chr18:31,068,128, C>T on the plus strand (G>A on the coding strand, the complement: DSC2 is on the minus strand). VCF-style: chr18-31068128-C-T. GRCh37 (hg19) VCF-style: chr18-28648094-C-T.
Other names: c.2164G>A, p.Val722Met (NM_001406506.1); c.*95G>A (NM_001406507.1, NM_004949.5); short protein forms V722M, V865M.
Identifiers: ClinVar variation 2775169 (VCV002775169.2), dbSNP rs2510936693, ClinGen allele CA402110500.
Genomic context (GRCh38, chr18:31,068,128, plus strand): 5'-CCAAAAATTCAAGCCCATCTTCTTCTTGTCGTTCACTGCAACAACCTACAGACCCAGCCA[C>T]CGATCCTCTTCCTTCATAGTTATATGTCAGGACATAGTCTTGGGCATGCTTGTGATTTTC-3'
Protein context (NP_077740.1, residues 855-875): LTYNYEGRGS[Val865Met]AGSVGCCSER